The following is an entry in ClinVar:

NM_007186.6(CEP250):c.1742C>T (p.Ser581Leu)

Genes: CEP250 (centrosomal protein 250; plus strand), CEP250-AS1 (CEP250 antisense RNA 1; minus strand). Cytogenetic location: 20q11.22.
Variant type: single nucleotide variant.
Coding change: c.1742C>T on transcript NM_007186.6 (MANE Select); coding-DNA position 1742, C replaced by T.
Protein change: p.Ser581Leu; replaces serine 581 with leucine.
Molecular consequence: missense variant. On other transcripts: 5 prime UTR variant (1).
Genome position (GRCh38, 1-based): chr20:35,476,474, C>T. VCF-style: chr20-35476474-C-T. GRCh37 (hg19) VCF-style: chr20-34064299-C-T.
Other names: c.-158C>T (NM_001318219.1); short protein forms S581L.
Identifiers: ClinVar variation 1505116 (VCV001505116.9), dbSNP rs773533323, ClinGen allele CA9833026.
Genomic context (GRCh38, chr20:35,476,474, plus strand): 5'-AAATATGAAACTCTTTAATCCTTTTTGTTTTTTAGGCAGAGCAGTCAATTGCAGAGCTGT[C>T]GAGTTCTGAAAACACCCTGAAGACAGAAGTAGCTGATCTTCGGGCTGCAGCTGTCAAGCT-3'
Protein context (NP_009117.2, residues 571-591): ARAEQSIAEL[Ser581Leu]SSENTLKTEV

ClinVar aggregate classification (germline): Uncertain significance. Review status: criteria provided, multiple submitters, no conflicts (2 of 4 stars). 2 submissions from 2 submitters: Uncertain significance (2). Last evaluated 2022-11-09.

Allele frequency attached by ClinVar (database versions not stated): gnomAD exomes 0.00001; TOPMed 0.00001; ExAC 0.00002.
gnomAD v4.1: 6 of 1,613,814 alleles (0.00037%); highest among the groups gnomAD compares: South Asian, 0.0022%; no homozygotes.

Submissions (2):

Blueprint Genetics
Classification: Uncertain significance. Last evaluated: 2022-11-09. Review status: criteria provided, single submitter. Criteria: ACMG Guidelines, 2015. Collection method: clinical testing. Allele origin: germline.

Labcorp Genetics (formerly Invitae), Labcorp
Classification: Uncertain significance. Last evaluated: 2022-05-05. Review status: criteria provided, single submitter. Criteria: Invitae Variant Classification Sherloc (09022015). Collection method: clinical testing. Allele origin: germline.
Comment: In summary, the available evidence is currently insufficient to determine the role of this variant in disease. Therefore, it has been classified as a Variant of Uncertain Significance. Algorithms developed to predict the effect of missense changes on protein structure and function are either unavailable or do not agree on the potential impact of this missense change (SIFT: "Not Available"; PolyPhen-2: "Possibly Damaging"; Align-GVGD: "Not Available"). This variant has not been reported in the literature in individuals affected with CEP250-related conditions. This variant is present in population databases (rs773533323, gnomAD 0.003%). This sequence change replaces serine, which is neutral and polar, with leucine, which is neutral and non-polar, at codon 581 of the CEP250 protein (p.Ser581Leu).